The following is an entry in ClinVar:

ClinVar aggregate classification (germline): Uncertain significance (1 of 4 stars; one submission).

Conditions:
Inborn genetic diseases. Identifiers: MedGen C0950123, MeSH D030342.

Allele frequency attached by ClinVar (database versions not stated): gnomAD exomes below 0.00001.
gnomAD v4.1: 3 of 1,613,730 alleles (0.00019%); highest among the groups gnomAD compares: Non-Finnish European, 0.00025%; no homozygotes.

Submission:

Ambry Genetics
Classification: Uncertain significance for Inborn genetic diseases. Last evaluated: 2021-09-27. Review status: criteria provided, single submitter. Criteria: Ambry Variant Classification Scheme 2023. Collection method: clinical testing. Allele origin: germline.
Comment: The p.E223G variant (also known as c.668A>G), located in coding exon 3 of the PIK3CA gene, results from an A to G substitution at nucleotide position 668. The glutamic acid at codon 223 is replaced by glycine, an amino acid with similar properties. This amino acid position is conserved. In addition, the in silico prediction for this alteration is inconclusive. Since supporting evidence is limited at this time, the clinical significance of this alteration remains unclear.

NM_006218.4(PIK3CA):c.668A>G (p.Glu223Gly)

Gene: PIK3CA (phosphatidylinositol-4,5-bisphosphate 3-kinase catalytic subunit alpha; plus strand). Cytogenetic location: 3q26.32.
Variant type: single nucleotide variant.
Coding change: c.668A>G on transcript NM_006218.4 (MANE Select); coding-DNA position 668, A replaced by G.
Protein change: p.Glu223Gly; replaces glutamic acid 223 with glycine.
Molecular consequence: missense variant.
Genome position (GRCh38, 1-based): chr3:179,201,395, A>G. VCF-style: chr3-179201395-A-G. GRCh37 (hg19) VCF-style: chr3-178919183-A-G.
Other names: short protein forms E223G.
Identifiers: ClinVar variation 1754896 (VCV001754896.2), dbSNP rs943131817, ClinGen allele CA88558264.